The following is an entry in ClinVar:

ClinVar aggregate classification (germline): Pathogenic (1 of 4 stars; one submission).

Conditions:
3-Oxo-5 alpha-steroid delta 4-dehydrogenase deficiency (PPSH). Also called: PSEUDOVAGINAL PERINEOSCROTAL HYPOSPADIAS; FAMILIAL INCOMPLETE MALE PSEUDOHERMAPHRODITISM, TYPE 2; 46,XY disorder of sex development due to 5-alpha-reductase 2 deficiency; MALE PSEUDOHERMAPHRODITISM DUE TO 5-ALPHA-REDUCTASE DEFICIENCY. Identifiers: Orphanet 753, MedGen C0268297, MONDO:0009923, OMIM 264600. Disease mechanism: loss of function.

Submission:

Labcorp Genetics (formerly Invitae), Labcorp
Classification: Pathogenic for 3-Oxo-5 alpha-steroid delta 4-dehydrogenase deficiency. Last evaluated: 2023-09-15. Review status: criteria provided, single submitter. Criteria: Invitae Variant Classification Sherloc (09022015). Collection method: clinical testing. Allele origin: unknown.
Comment: For these reasons, this variant has been classified as Pathogenic. A similar copy number variant has been observed in individual(s) with steroid-5 alpha-reductase deficiency (PMID: 1944596). A gross deletion of the genomic region encompassing the full coding sequence of the SRD5A2 gene has been identified. Loss-of-function variants in SRD5A2 are known to be pathogenic (PMID: 1406794, 1944596). The boundaries of this event are unknown as they extend beyond the assayed region for this gene and therefore may encompass additional genes.

Literature cited by the submitters: PubMed 1944596; PubMed 1406794.

NC_000002.11:g.(?_31751266)_(31805969_?)del

Gene: SRD5A2 (steroid 5 alpha-reductase 2; minus strand). Cytogenetic location: 2p23.1.
Variant type: Deletion.
Identifiers: ClinVar variation 3247145 (VCV003247145.1).